The following is an entry in ClinVar:

NM_005263.5(GFI1):c.634G>A (p.Glu212Lys)

Gene: GFI1 (growth factor independent 1 transcriptional repressor; minus strand). Cytogenetic location: 1p22.1.
Variant type: single nucleotide variant.
Coding change: c.634G>A on transcript NM_005263.5 (MANE Select); coding-DNA position 634, G replaced by A.
Protein change: p.Glu212Lys; replaces glutamic acid 212 with lysine.
Molecular consequence: missense variant.
Genome position (GRCh38, 1-based): chr1:92,480,753, C>T on the plus strand (G>A on the coding strand, the complement: GFI1 is on the minus strand). VCF-style: chr1-92480753-C-T. GRCh37 (hg19) VCF-style: chr1-92946310-C-T.
Other names: c.634G>A, p.Glu212Lys (NM_001127215.3, NM_001127216.3); short protein forms E212K.
Identifiers: ClinVar variation 4858063 (VCV004858063.1).
Genomic context (GRCh38, chr1:92,480,753, plus strand): 5'-CTGCGTGCAGCCCGTGGCCACGCTCGGGGTACAGCAAGCCCGCCGCTGCCGTGGGCCTCT[C>T]ATACAGCCCGGCTGCCGCAGACCCGAAGTCGCCGTAGAGCCCTAGGCCAGGGCCAGCGGT-3'
Protein context (NP_005254.2, residues 202-222): DFGSAAAGLY[Glu212Lys]RPTAAAGLLY

ClinVar aggregate classification (germline): Uncertain significance (1 of 4 stars; one submission).

Submission:

Ambry Genetics
Classification: Uncertain significance. Last evaluated: 2026-05-14. Review status: criteria provided, single submitter. Criteria: Ambry Variant Classification Scheme 2023. Collection method: clinical testing. Allele origin: germline.
Comment: The p.E212K variant (also known as c.634G>A), located in coding exon 3 of the GFI1 gene, results from a G to A substitution at nucleotide position 634. The glutamic acid at codon 212 is replaced by lysine, an amino acid with similar properties. This amino acid position is conserved. In addition, this alteration is predicted to be tolerated by in silico analysis. Based on the available evidence, the clinical significance of this variant remains unclear.